The following is an entry in ClinVar:

ClinVar aggregate classification (germline): Uncertain significance (1 of 4 stars; one submission).

gnomAD v4.1: 1 of 1,598,286 alleles (0.000063%); highest among the groups gnomAD compares: Non-Finnish European, 0.000085%; no homozygotes.

Submission:

Labcorp Genetics (formerly Invitae), Labcorp
Classification: Uncertain significance. Last evaluated: 2024-07-02. Review status: criteria provided, single submitter. Criteria: Invitae Variant Classification Sherloc (09022015). Collection method: clinical testing. Allele origin: germline.
Comment: This sequence change replaces arginine, which is basic and polar, with leucine, which is neutral and non-polar, at codon 362 of the CLIC5 protein (p.Arg362Leu). This variant is not present in population databases (gnomAD no frequency). This variant has not been reported in the literature in individuals affected with CLIC5-related conditions. An algorithm developed to predict the effect of missense changes on protein structure and function (PolyPhen-2) suggests that this variant is likely to be disruptive. In summary, the available evidence is currently insufficient to determine the role of this variant in disease. Therefore, it has been classified as a Variant of Uncertain Significance.

NM_016929.5(CLIC5):c.608G>T (p.Arg203Leu)

Gene: CLIC5 (chloride intracellular channel 5; minus strand). Cytogenetic location: 6p21.1.
Variant type: single nucleotide variant.
Coding change: c.608G>T on transcript NM_016929.5 (MANE Select); coding-DNA position 608, G replaced by T.
Protein change: p.Arg203Leu; replaces arginine 203 with leucine.
Molecular consequence: missense variant. On other transcripts: non-coding transcript variant (2).
Genome position (GRCh38, 1-based): chr6:45,903,236, C>A on the plus strand (G>T on the coding strand, the complement: CLIC5 is on the minus strand). VCF-style: chr6-45903236-C-A. GRCh37 (hg19) VCF-style: chr6-45870973-C-A.
Other names: c.1085G>T, p.Arg362Leu (NM_001114086.2, NM_001370650.1); c.491G>T, p.Arg164Leu (NM_001370649.1); short protein forms R164L, R203L, R362L.
Identifiers: ClinVar variation 3684615 (VCV003684615.2).